The following is an entry in ClinVar:

ClinVar aggregate classification (germline): Benign. Review status: criteria provided, multiple submitters, no conflicts (2 of 4 stars). 2 submissions from 2 submitters: Benign (2). Last evaluated 2018-06-14.

Allele frequency attached by ClinVar (database versions not stated): 1000 Genomes Project 30x 0.63788; gnomAD 0.76194 and 0.74769; 1000 Genomes Project 0.62121; gnomAD exomes 0.71982; TOPMed 0.75044.
gnomAD v4.1: 926,138 of 1,280,698 alleles (72%); highest among the groups gnomAD compares: African/African-American, 84%; 344,755 homozygotes.

Submissions (2):

GeneDx
Classification: Benign. Last evaluated: 2018-06-14. Review status: criteria provided, single submitter. Criteria: GeneDx Variant Classification (06012015). Collection method: clinical testing. Allele origin: germline. Affected: yes.
Comment: This variant is considered likely benign or benign based on one or more of the following criteria: it is a conservative change, it occurs at a poorly conserved position in the protein, it is predicted to be benign by multiple in silico algorithms, and/or has population frequency not consistent with disease.

Breakthrough Genomics
Classification: Benign. Review status: criteria provided, single submitter. Criteria: ACMG Guidelines, 2015. Collection method: not provided. Allele origin: germline. Inheritance: Autosomal recessive inheritance. Affected: yes.

NM_001384140.1(PCDH15):c.877-70G>A

Gene: PCDH15 (protocadherin related 15; minus strand). Cytogenetic location: 10q21.1.
Variant type: single nucleotide variant.
Coding change: c.877-70G>A on transcript NM_001384140.1 (MANE Select); 70 bases into the intron before coding-DNA position 877, G replaced by A.
Molecular consequence: intron variant.
Genome position (GRCh38, 1-based): chr10:54,237,001, C>T on the plus strand (G>A on the coding strand, the complement: PCDH15 is on the minus strand). VCF-style: chr10-54237001-C-T. GRCh37 (hg19) VCF-style: chr10-55996761-C-T.
Other names: c.877-70G>A (NM_001354420.2, NM_001354429.2, NM_001142772.2 and 7 more transcripts); c.892-70G>A (NM_001142771.2, NM_001142769.3, NM_001142763.2); c.811-70G>A (NM_001354404.2, NM_001142773.2, NM_001142768.2); c.766-70G>A (NM_001142767.2).
Identifiers: ClinVar variation 670387 (VCV000670387.2), dbSNP rs721825, ClinGen allele CA13307905.